The following is an entry in ClinVar:

NM_003873.7(NRP1):c.1483G>T (p.Val495Leu)

Gene: NRP1 (neuropilin 1; minus strand). Cytogenetic location: 10p11.22.
Variant type: single nucleotide variant.
Coding change: c.1483G>T on transcript NM_003873.7 (MANE Select); coding-DNA position 1483, G replaced by T.
Protein change: p.Val495Leu; replaces valine 495 with leucine.
Molecular consequence: missense variant. On other transcripts: non-coding transcript variant (1).
Genome position (GRCh38, 1-based): chr10:33,213,517, C>A on the plus strand (G>T on the coding strand, the complement: NRP1 is on the minus strand). VCF-style: chr10-33213517-C-A. GRCh37 (hg19) VCF-style: chr10-33502445-C-A.
Other names: c.1483G>T, p.Val495Leu (NM_001024628.3, NM_001024629.3, NM_001244972.2 and 2 more transcripts); short protein forms V495L.
Identifiers: ClinVar variation 3344260 (VCV003344260.1).

ClinVar aggregate classification (germline): Uncertain significance (0 of 4 stars; one submission).

Conditions:
NRP1-related disorder. Also called: NRP1-related condition.

gnomAD v4.1: 3 of 1,614,088 alleles (0.00019%); highest among the groups gnomAD compares: Non-Finnish European, 0.00025%; no homozygotes.

Submission:

PreventionGenetics, part of Exact Sciences
Classification: Uncertain significance for NRP1-related condition. Last evaluated: 2024-05-31. Review status: no assertion criteria provided. Collection method: clinical testing. Allele origin: germline.
Comment: The NRP1 c.1483G>T variant is predicted to result in the amino acid substitution p.Val495Leu. To our knowledge, this variant has not been reported in the literature or in a large population database, indicating this variant is rare. At this time, the clinical significance of this variant is uncertain due to the absence of conclusive functional and genetic evidence.